The following is an entry in ClinVar:

ClinVar aggregate classification (germline): Pathogenic (1 of 4 stars; one submission).

Conditions:
Renal carnitine transport defect (CDSP). Also called: Primary carnitine deficiency; Systemic primary carnitine deficiency; Carnitine transporter deficiency; Carnitine Deficiency, Systemic; Systemic primary carnitine deficiency disease; CARNITINE DEFICIENCY, SYSTEMIC, DUE TO DEFECT IN RENAL REABSORPTION OF CARNITINE. Identifiers: Orphanet 158, MedGen C0342788, MONDO:0008919, OMIM 212140.

Submission:

Labcorp Genetics (formerly Invitae), Labcorp
Classification: Pathogenic for Renal carnitine transport defect. Last evaluated: 2024-03-16. Review status: criteria provided, single submitter. Criteria: Invitae Variant Classification Sherloc (09022015). Collection method: clinical testing. Allele origin: germline.
Comment: This sequence change affects an acceptor splice site in intron 8 of the SLC22A5 gene. It is expected to disrupt RNA splicing. Variants that disrupt the donor or acceptor splice site typically lead to a loss of protein function (PMID: 16199547), and loss-of-function variants in SLC22A5 are known to be pathogenic (PMID: 9916797). This variant is not present in population databases (gnomAD no frequency). Disruption of this splice site has been observed in individual(s) with primary carnitine deficiency (PMID: 9916797). Algorithms developed to predict the effect of sequence changes on RNA splicing suggest that this variant may disrupt the consensus splice site. For these reasons, this variant has been classified as Pathogenic.

Literature cited by the submitters: PubMed 16199547; PubMed 9916797.

NM_003060.4(SLC22A5):c.1451-1G>T

Gene: SLC22A5 (solute carrier family 22 member 5; plus strand). Cytogenetic location: 5q31.1.
Variant type: single nucleotide variant.
Coding change: c.1451-1G>T on transcript NM_003060.4 (MANE Select); the canonical splice acceptor site of the intron before coding-DNA position 1451, G replaced by T.
Molecular consequence: splice acceptor variant.
Genome position (GRCh38, 1-based): chr5:132,393,675, G>T. VCF-style: chr5-132393675-G-T. GRCh37 (hg19) VCF-style: chr5-131729367-G-T.
Other names: c.1523-1G>T (NM_001308122.2).
Identifiers: ClinVar variation 3709425 (VCV003709425.2).